The following is an entry in ClinVar:

NM_000064.4(C3):c.2669C>A (p.Pro890His)

Gene: C3 (complement C3; minus strand). Cytogenetic location: 19p13.3.
Variant type: single nucleotide variant.
Coding change: c.2669C>A on transcript NM_000064.4 (MANE Select); coding-DNA position 2669, C replaced by A.
Protein change: p.Pro890His; replaces proline 890 with histidine.
Molecular consequence: missense variant.
Genome position (GRCh38, 1-based): chr19:6,697,471, G>T on the plus strand (C>A on the coding strand, the complement: C3 is on the minus strand). VCF-style: chr19-6697471-G-T. GRCh37 (hg19) VCF-style: chr19-6697482-G-T.
Other names: short protein forms P890H.
Identifiers: ClinVar variation 3001428 (VCV003001428.4), dbSNP rs753876258, ClinGen allele CA9129004.
Genomic context (GRCh38, chr19:6,697,471, plus strand): 5'-ACTTCCTGCAGGCCGGTCTTTAGCGGCACGATGACATATGGAACGGACAACGAGGACTTG[G>T]GGGGGATGGTTACGGTCTGCTGGTGACGCCTCTTGGTGGTGGCCAGGCTGCAGAAGGCTG-3'
Protein context (NP_000055.2, residues 880-900): RRHQQTVTIP[Pro890His]KSSLSVPYVI

ClinVar aggregate classification (germline): Uncertain significance. Review status: criteria provided, multiple submitters, no conflicts (2 of 4 stars). 2 submissions from 2 submitters: Uncertain significance (2). Last evaluated 2025-10-08.

Conditions:
Atypical hemolytic-uremic syndrome. Identifiers: Orphanet 2134, MedGen C2931788, MONDO:0016244.
C3 glomerulonephritis. Also called: Nephropathy due to CFHR5 Deficiency; C3 GLOMERULOPATHY 3. Identifiers: Orphanet 329931, MedGen C4055342, MONDO:0013892, OMIM 614809.
Complement component 3 deficiency. Identifiers: Orphanet 280133, MedGen C3151071, MONDO:0013417, OMIM 613779.

gnomAD v4.1: 21 of 1,613,828 alleles (0.0013%); highest among the groups gnomAD compares: Non-Finnish European, 0.0017%; no homozygotes.

Submissions (2):

Labcorp Genetics (formerly Invitae), Labcorp
Classification: Uncertain significance. Last evaluated: 2025-10-08. Review status: criteria provided, single submitter. Criteria: Invitae Variant Classification Sherloc (09022015). Collection method: clinical testing. Allele origin: germline.
Comment: This sequence change replaces proline, which is neutral and non-polar, with histidine, which is basic and polar, at codon 890 of the C3 protein (p.Pro890His). This variant is present in population databases (rs753876258, gnomAD 0.004%). This variant has not been reported in the literature in individuals affected with C3-related conditions. ClinVar contains an entry for this variant (Variation ID: 3001428). Invitae Evidence Modeling of protein sequence and biophysical properties (such as structural, functional, and spatial information, amino acid conservation, physicochemical variation, residue mobility, and thermodynamic stability) indicates that this missense variant is expected to disrupt C3 protein function with a positive predictive value of 80%. In summary, the available evidence is currently insufficient to determine the role of this variant in disease. Therefore, it has been classified as a Variant of Uncertain Significance.

Genomenon, Inc
Classification: Uncertain significance for Complement component 3 deficiency; C3 glomerulonephritis; Atypical hemolytic-uremic syndrome. Last evaluated: 2025-09-30. Review status: criteria provided, single submitter. Criteria: Genomenon Sequence Variant Interpretation Standards. Collection method: curation. Allele origin: germline. Affected: no.
Comment: C3 p.Pro890His (c.2669C>A) is a missense variant that changes the amino acid at residue 890 from Proline to Histidine. This variant has been reported in the published literature (PMID:29563339). It is absent or not present at a significant frequency in gnomAD. In silico models agree that this variant is not damaging. In conclusion, we classify C3 p.Pro890His (c.2669C>A) as a variant of unknown significance.

Literature cited by the submitters: PubMed 29563339 (cited by Genomenon, Inc).